The following is an entry in ClinVar:

ClinVar aggregate classification (germline): Benign. Review status: criteria provided, multiple submitters, no conflicts (2 of 4 stars). 3 submissions from 2 submitters: Benign (3). Last evaluated 2018-01-13.

Conditions:
Irido-corneo-trabecular dysgenesis (ASGD5). Also called: ANTERIOR SEGMENT DYSGENESIS 5. Identifiers: Orphanet 708, MedGen C0344559, MONDO:0011414, OMIM 604229, HP:0000659.
Glaucoma 3A. Also called: Glaucoma 3, primary congenital, A. Identifiers: Orphanet 98976, Orphanet 98977, MedGen C1856439, MONDO:0009277, OMIM 231300.

Allele frequency attached by ClinVar (database versions not stated): gnomAD 0.76280 and 0.77104; TOPMed 0.77633; gnomAD exomes 0.80080; 1000 Genomes Project 30x 0.83073; 1000 Genomes Project 0.83646.
gnomAD v4.1: 157,126 of 201,790 alleles (78%); highest among the groups gnomAD compares: South Asian, 92%; 61,578 homozygotes.

Submissions (3):

Illumina Laboratory Services, Illumina
Classification: Benign for Glaucoma 3A. Last evaluated: 2018-01-13. Review status: criteria provided, single submitter. Criteria: ICSL Variant Classification Criteria 13 December 2019. Collection method: clinical testing. Allele origin: germline.
Comment: This variant was observed in the ICSL laboratory as part of a predisposition screen in an ostensibly healthy population. It had not been previously curated by ICSL or reported in the Human Gene Mutation Database (HGMD: prior to June 1st, 2018), and was therefore a candidate for classification through an automated scoring system. Utilizing variant allele frequency, disease prevalence and penetrance estimates, and inheritance mode, an automated score was calculated to assess if this variant is too frequent to cause the disease. Based on the score and internal cut-off values, a variant classified as benign is not then subjected to further curation. The score for this variant resulted in a classification of benign for this disease.

Illumina Laboratory Services, Illumina
Classification: Benign for Irido-corneo-trabecular dysgenesis. Last evaluated: 2018-01-13. Review status: criteria provided, single submitter. Criteria: ICSL Variant Classification Criteria 13 December 2019. Collection method: clinical testing. Allele origin: germline.
Comment: the same text as in the submission from Illumina Laboratory Services, Illumina above.

Breakthrough Genomics
Classification: Benign. Review status: criteria provided, single submitter. Criteria: ACMG Guidelines, 2015. Collection method: not provided. Allele origin: germline. Inheritance: Autosomal recessive inheritance. Affected: yes.

NM_000104.4(CYP1B1):c.*695G>T

Gene: CYP1B1 (cytochrome P450 family 1 subfamily B member 1; minus strand). Cytogenetic location: 2p22.2.
Variant type: single nucleotide variant.
Coding change: c.*695G>T on transcript NM_000104.4 (MANE Select); 695 bases downstream of the stop codon, G replaced by T.
Molecular consequence: 3 prime UTR variant.
Genome position (GRCh38, 1-based): chr2:38,070,027, C>A on the plus strand (G>T on the coding strand, the complement: CYP1B1 is on the minus strand). VCF-style: chr2-38070027-C-A. GRCh37 (hg19) VCF-style: chr2-38297170-C-A.
Identifiers: ClinVar variation 335939 (VCV000335939.6), dbSNP rs10916, ClinGen allele CA10613780.